The following is an entry in ClinVar:

ClinVar aggregate classification (germline): Benign/Likely benign. Review status: criteria provided, multiple submitters, no conflicts (2 of 4 stars). 3 submissions from 3 submitters: Benign (1); Likely benign (1). 1 of the submissions does not count toward it. Last evaluated 2025-11-19.

Conditions:
Holoprosencephaly sequence (HPE). Also called: Holoprosencephaly. Identifiers: Orphanet 2162, MedGen C0079541, MONDO:0016296, HP:0001360.
FOXH1-related disorder. Also called: FOXH1-related condition.

Allele frequency attached by ClinVar (database versions not stated): TOPMed 0.00018; 1000 Genomes Project 30x 0.00062; 1000 Genomes Project 0.00080.

Submissions (3):

Labcorp Genetics (formerly Invitae), Labcorp
Classification: Benign for Holoprosencephaly sequence. Last evaluated: 2025-11-19. Review status: criteria provided, single submitter. Criteria: Invitae Variant Classification Sherloc (09022015). Collection method: clinical testing. Allele origin: germline.

Blueprint Genetics
Classification: Likely benign. Last evaluated: 2024-06-13. Review status: criteria provided, single submitter. Criteria: ACMG Guidelines, 2015. Collection method: clinical testing. Allele origin: germline.

PreventionGenetics, part of Exact Sciences
Classification: Likely benign for FOXH1-related condition. Last evaluated: 2019-12-16. Review status: no assertion criteria provided. Collection method: clinical testing. Allele origin: germline. Not counted in ClinVar's aggregate classification.
Comment: This variant is classified as likely benign based on ACMG/AMP sequence variant interpretation guidelines (Richards et al. 2015 PMID: 25741868, with internal and published modifications).

NM_003923.3(FOXH1):c.912G>A (p.Pro304=)

Gene: FOXH1 (forkhead box H1; minus strand). Cytogenetic location: 8q24.3.
Variant type: single nucleotide variant.
Coding change: c.912G>A on transcript NM_003923.3 (MANE Select); coding-DNA position 912, G replaced by A.
Protein change: p.Pro304=; no amino-acid change (proline 304 retained).
Molecular consequence: synonymous variant.
Genome position (GRCh38, 1-based): chr8:144,474,424, C>T on the plus strand (G>A on the coding strand, the complement: FOXH1 is on the minus strand). VCF-style: chr8-144474424-C-T. GRCh37 (hg19) VCF-style: chr8-145699807-C-T.
Identifiers: ClinVar variation 415739 (VCV000415739.14), dbSNP rs141411287, ClinGen allele CA4945405.
Genomic context (GRCh38, chr8:144,474,424, plus strand): 5'-GAGCAGCCCTGGGGGCCCTCGGGTTTCAGGGGCCACCCCCCAGTAGGCAGGGCTGGTTGA[C>T]GGACACTGGGGACAGGAGGTGGGTGGTGGTGCCAAGGGCATTACCACATTGGGAGTGTAG-3'
Protein context (NP_003914.1, residues 294-314): APPPTSCPQC[Pro304=]STSPAYWGVA